The following is an entry in ClinVar:

ClinVar aggregate classification (germline): Likely pathogenic (1 of 4 stars; one submission).

Conditions:
FLT4-related disorders.

Submission:

Rady Children's Institute for Genomic Medicine, Rady Children's Hospital San Diego
Classification: Likely pathogenic for FLT4-related disorders. Last evaluated: 2025-03-24. Review status: criteria provided, single submitter. Criteria: ACMG Guidelines, 2015. Collection method: clinical testing. Allele origin: germline. Affected: yes.
Comment: This alteration is located within the consensus splice sequence of the intron 14 of the FLT4 gene and is predicted to interfere with splicing based on multiple splice prediction tools; however, to our knowledge, no RNA-base splicing analysis has been performed to clarify the effect of this alteration on splicing. The skipping of exon 14 is suggested to lead to an in-frame deletion. The FLT4 gene is constrained against variation (Z-score= 3.03 and pLI = 1), and loss-of-function variants are an established mechanism of disease (HGMD, ClinVar database; PMID: 30232381, 28991257, 30582441, 33110418, 34328347). This variant has not been previously reported or functionally characterized in the literature to our knowledge. The c.2168-1G>A variant is absent from the latest version of the gnomAD population database and thus is presumed to be rare. Based on parental analysis, this variant likely occurred as a de novo event. Based on the available evidence, c.2168-1G>A is classified as Likely Pathogenic.

Literature cited by the submitters: PubMed 30232381; PubMed 28991257; PubMed 30582441; PubMed 33110418; PubMed 34328347.

NM_182925.5(FLT4):c.2168-1G>A

Genes: FLT4 (fms related receptor tyrosine kinase 4; minus strand), LOC126807632 (CDK7 strongly-dependent group 2 enhancer GRCh37_chr5:180046831-180048030; plus strand). Cytogenetic location: 5q35.3.
Variant type: single nucleotide variant.
Coding change: c.2168-1G>A on transcript NM_182925.5 (MANE Select); the canonical splice acceptor site of the intron before coding-DNA position 2168, G replaced by A.
Molecular consequence: splice acceptor variant.
Genome position (GRCh38, 1-based): chr5:180,621,008, C>T on the plus strand (G>A on the coding strand, the complement: FLT4 is on the minus strand). VCF-style: chr5-180621008-C-T. GRCh37 (hg19) VCF-style: chr5-180048008-C-T.
Other names: c.2168-1G>A (NM_001354989.2, NM_002020.5).
Identifiers: ClinVar variation 4814203 (VCV004814203.1).